The following is an entry in ClinVar:

NM_080916.3(DGUOK):c.450C>G (p.Ile150Met)

Gene: DGUOK (deoxyguanosine kinase; plus strand). Cytogenetic location: 2p13.1.
Variant type: single nucleotide variant.
Coding change: c.450C>G on transcript NM_080916.3 (MANE Select); coding-DNA position 450, C replaced by G.
Protein change: p.Ile150Met; replaces isoleucine 150 with methionine.
Molecular consequence: missense variant. On other transcripts: non-coding transcript variant (1), intron variant (2).
Genome position (GRCh38, 1-based): chr2:73,950,591, C>G. VCF-style: chr2-73950591-C-G. GRCh37 (hg19) VCF-style: chr2-74177718-C-G.
Other names: c.159C>G, p.Ile53Met (NM_001318860.2, NM_001318861.2); c.141C>G, p.Ile47Met (NM_001318862.2, NM_001318863.2); c.443+3685C>G (NM_080918.3); c.425+3703C>G (NM_001318859.2); short protein forms I150M, I47M, I53M.
Identifiers: ClinVar variation 3767542 (VCV003767542.1).

ClinVar aggregate classification (germline): Uncertain significance (1 of 4 stars; one submission).

Submission:

GeneDx
Classification: Uncertain significance. Last evaluated: 2024-09-10. Review status: criteria provided, single submitter. Criteria: GeneDx Variant Classification Process June 2021. Collection method: clinical testing. Allele origin: germline. Affected: yes.
Comment: Not observed at significant frequency in large population cohorts (gnomAD); In silico analysis indicates that this missense variant does not alter protein structure/function; Has not been previously published as pathogenic or benign to our knowledge